The following is an entry in ClinVar:

ClinVar aggregate classification (germline): Likely benign (1 of 4 stars; one submission).

Conditions:
Erythrokeratodermia variabilis et progressiva 1 (EKVP1). Also called: ERYTHROKERATODERMIA FIGURATA, CONGENITAL FAMILIAL, IN PLAQUES; ERYTHROKERATODERMIA VARIABILIS WITH ERYTHEMA GYRATUM REPENS; ERYTHROKERATODERMIA, PROGRESSIVE SYMMETRIC. Identifiers: Orphanet 317, MedGen C4551486, MONDO:0033010, OMIM 133200.

Allele frequency attached by ClinVar (database versions not stated): ExAC 0.00003; gnomAD 0.00004; TOPMed 0.00004; ESP Exome Variant Server 0.00015.

Submission:

Illumina Laboratory Services, Illumina
Classification: Likely benign for Erythrokeratodermia variabilis et progressiva 1. Last evaluated: 2018-01-12. Review status: criteria provided, single submitter. Criteria: ICSL Variant Classification Criteria 13 December 2019. Collection method: clinical testing. Allele origin: germline.
Comment: This variant was observed in the ICSL laboratory as part of a predisposition screen in an ostensibly healthy population. It had not been previously curated by ICSL or reported in the Human Gene Mutation Database (HGMD: prior to June 1st, 2018), and was therefore a candidate for classification through an automated scoring system. Utilizing variant allele frequency, disease prevalence and penetrance estimates, and inheritance mode, an automated score was calculated to assess if this variant is too frequent to cause the disease. Based on the score and internal cut-off values, a variant classified as likely benign is not then subjected to further curation. The score for this variant resulted in a classification of likely benign for this disease.

NM_024009.3(GJB3):c.-18C>T

Gene: GJB3 (gap junction protein beta 3; plus strand). Cytogenetic location: 1p34.3.
Variant type: single nucleotide variant.
Coding change: c.-18C>T on transcript NM_024009.3 (MANE Select); 18 bases upstream of the start codon, C replaced by T.
Molecular consequence: 5 prime UTR variant.
Genome position (GRCh38, 1-based): chr1:34,784,745, C>T. VCF-style: chr1-34784745-C-T. GRCh37 (hg19) VCF-style: chr1-35250346-C-T.
Other names: c.-18C>T (NM_001005752.2).
Identifiers: ClinVar variation 297189 (VCV000297189.5), dbSNP rs371413520, ClinGen allele CA754714.
Genomic context (GRCh38, chr1:34,784,745, plus strand): 5'-TCAATAAAGTCACCTATTCATTCATACGATGGTTTTTCCTCTAATTCTCTCAGGTAGGCA[C>T]GGCCCCCACCAGGCGCCATGGACTGGAAGACACTCCAGGCCCTACTGAGCGGTGTGAACA-3'